The following is an entry in ClinVar:

NM_000090.4(COL3A1):c.1723C>T (p.Pro575Ser)

Gene: COL3A1 (collagen type III alpha 1 chain; plus strand). Cytogenetic location: 2q32.2.
Variant type: single nucleotide variant.
Coding change: c.1723C>T on transcript NM_000090.4 (MANE Select); coding-DNA position 1723, C replaced by T.
Protein change: p.Pro575Ser; replaces proline 575 with serine.
Molecular consequence: missense variant.
Genome position (GRCh38, 1-based): chr2:188,996,458, C>T. VCF-style: chr2-188996458-C-T. GRCh37 (hg19) VCF-style: chr2-189861184-C-T.
Other names: short protein forms P575S.
Identifiers: ClinVar variation 923142 (VCV000923142.7), dbSNP rs1688321435, ClinGen allele CA349852772.

ClinVar aggregate classification (germline): Uncertain significance. Review status: criteria provided, multiple submitters, no conflicts (2 of 4 stars). 2 submissions from 2 submitters: Uncertain significance (2). Last evaluated 2023-12-05.

Conditions:
Ehlers-Danlos syndrome, type 4 (EDSVASC). Also called: Ehlers-Danlos Syndrome Type IV; Ehlers-Danlos syndrome vascular type; Ehlers Danlos syndrome, ecchymotic type; Ehlers Danlos syndrome, arterial type; Ehlers Danlos syndrome, Sack-Barabas type. Identifiers: Orphanet 286, MedGen C0268338, MONDO:0017314, OMIM 130050.
Polymicrogyria with or without vascular-type Ehlers-Danlos syndrome. Identifiers: Orphanet 636941, MedGen C5193040, MONDO:0032688, OMIM 618343.
Familial thoracic aortic aneurysm and aortic dissection (TAAD). Also called: Thoracic aortic aneurysms and dissections. Identifiers: Orphanet 91387, MedGen C4707243, MONDO:0019625.

Submissions (2):

Color Diagnostics, LLC DBA Color Health
Classification: Uncertain significance for Familial thoracic aortic aneurysm and aortic dissection. Last evaluated: 2023-12-05. Review status: criteria provided, single submitter. Criteria: ACMG Guidelines, 2015. Collection method: clinical testing. Allele origin: germline.
Comment: This missense variant replaces proline with serine at codon 575 of the COL3A1 protein. Computational prediction tools and conservation analyses suggest that this variant may have deleterious impact on the protein function. Computational splicing tools suggest that this variant may not impact RNA splicing. To our knowledge, functional assays have not been performed for this variant nor has this variant been reported in individuals affected with cardiovascular disorders in the literature. This variant has not been identified in the general population by the Genome Aggregation Database (gnomAD). Available evidence is insufficient to determine the role of this variant in disease conclusively. Therefore, this variant is classified as a Variant of Uncertain Significance.

Juno Genomics, Hangzhou Juno Genomics, Inc
Classification: Uncertain significance for Ehlers-Danlos syndrome, type 4; Polymicrogyria with or without vascular-type Ehlers-Danlos syndrome. Review status: criteria provided, single submitter. Criteria: ACMG Guidelines, 2015. Collection method: clinical testing. Allele origin: germline.
Comment: Absent from controls (or at extremely low frequency if recessive) in Genome Aggregation Database.;Multiple lines of computational evidence support a deleterious effect on the gene or gene product.;Missense variant in a gene that has a low rate of benign missense variation.